The following is an entry in ClinVar:

ClinVar aggregate classification (germline): Pathogenic/Likely pathogenic. Review status: criteria provided, multiple submitters, no conflicts (2 of 4 stars). 13 submissions from 11 submitters: Pathogenic (8); Likely pathogenic (3). 2 of the submissions do not count toward it. Last evaluated 2026-09-08.

Conditions:
Pendred syndrome (PDS). Also called: Pendred's syndrome; Pendred Syndrome (PDS); GOITER-DEAFNESS SYNDROME; HYPOTHYROIDISM, CONGENITAL, DUE TO DYSHORMONOGENESIS, 2B; THYROID DYSHORMONOGENESIS 2B; THYROID HORMONOGENESIS, GENETIC DEFECT IN, 2B. Identifiers: Orphanet 705, MedGen C0271829, MONDO:0010134, OMIM 274600.
Autosomal recessive nonsyndromic hearing loss 4 (DFNB4). Also called: FOXI1-Related Pendred Syndrome; KCNJ10-Related Pendred Syndrome; DEAFNESS, AUTOSOMAL RECESSIVE 4, WITH ENLARGED VESTIBULAR AQUEDUCT, DIGENIC; Nonsyndromic enlarged vestibular aqueduct (NSEVA); Deafness, autosomal recessive 4, with enlarged vestibular aqueduct; Deafness, autosomal recessive 4. Identifiers: Orphanet 90636, MedGen C3538946, MONDO:0010933, OMIM 600791.
SLC26A4-related disorder. Also called: SLC26A4-related condition; SLC26A4-related disorders.

Allele frequency attached by ClinVar (database versions not stated): gnomAD 0.00001; gnomAD exomes 0.00001; TOPMed 0.00002.

Submissions (13):

PreventionGenetics, part of Exact Sciences
Classification: Pathogenic for SLC26A4-related condition. Last evaluated: 2026-09-08. Review status: criteria provided, single submitter. Criteria: ACMG Guidelines, 2015. Collection method: clinical testing. Allele origin: germline.
Comment: The SLC26A4 c.918+2T>C variant is predicted to disrupt the GT donor site and interfere with normal splicing. This variant has been reported in multiple individuals with hearing loss (see for example: Chai et al. 2013. PubMed ID: 23918157; Cengiz et al. 2017. PubMed ID: 28964290; Yuan et al. 2019. PubMed ID: 31541171). This variant is reported in 0.0056% of alleles in individuals of Latino descent in gnomAD. Variants that disrupt the consensus splice donor site in SLC26A4 are expected to be pathogenic. This variant is interpreted as pathogenic.

Natera, Inc.
Classification: Pathogenic for Pendred syndrome. Last evaluated: 2026-01-20. Review status: criteria provided, single submitter. Criteria: Natera Variant Classification Schema (03/2026). Collection method: clinical testing. Allele origin: germline.
Comment: The c.918+2T>C variant in SLC26A4 is a canonical splice donor site variant predicted to affect pre-mRNA splicing, which may result in an abnormal transcript and altered protein product. This variant is expected to result in nonsense mediated decay, truncation, or a dysfunctional protein product. This variant is rare in the general population with a frequency below the threshold expected for the associated phenotype(s). This variant has been observed in one or more individuals affected with the associated recessive disease, as either homozygous or compound heterozygous with a second variant (PMID: 23918157, 23336812). Another variant at this same site results in an alteration predicted to cause a similar molecular effect has been observed in individual(s) with the associated phenotype. Given the available evidence, this variant is classified as Pathogenic.

Labcorp Genetics (formerly Invitae), Labcorp
Classification: Pathogenic. Last evaluated: 2025-11-16. Review status: criteria provided, single submitter. Criteria: Invitae Variant Classification Sherloc (09022015). Collection method: clinical testing. Allele origin: germline.
Comment: This sequence change affects a donor splice site in intron 7 of the SLC26A4 gene. It is expected to disrupt RNA splicing. Variants that disrupt the donor or acceptor splice site typically lead to a loss of protein function (PMID: 16199547), and loss-of-function variants in SLC26A4 are known to be pathogenic (PMID: 16283880, 25394566, 26252218, 26445815). This variant is present in population databases (no rsID available, gnomAD 0.006%). Disruption of this splice site has been observed in individuals with Pendred syndrome (PMID: 23918157, 27214836). ClinVar contains an entry for this variant (Variation ID: 370108). Algorithms developed to predict the effect of sequence changes on RNA splicing suggest that this variant may disrupt the consensus splice site. For these reasons, this variant has been classified as Pathogenic.

Baylor Genetics
Classification: Pathogenic for Autosomal recessive nonsyndromic hearing loss 4. Last evaluated: 2024-03-20. Review status: criteria provided, single submitter. Criteria: ACMG Guidelines, 2015. Collection method: clinical testing. Allele origin: unknown.

GeneDx
Classification: Pathogenic. Last evaluated: 2023-06-06. Review status: criteria provided, single submitter. Criteria: GeneDx Variant Classification Process June 2021. Collection method: clinical testing. Allele origin: germline. Affected: yes.
Comment: Canonical splice site variant predicted to result in an in-frame loss of the adjacent exon in a gene for which loss of function is a known mechanism of disease; Not observed at significant frequency in large population cohorts (gnomAD); This variant is associated with the following publications: (PMID: 29739340, 31589614, 27214836, 23918157, 28964290, 26990548, 36147510, 24007330, 23336812, 31541171)

Women's Health and Genetics/Laboratory Corporation of America, LabCorp
Classification: Pathogenic for Pendred syndrome. Last evaluated: 2023-04-05. Review status: criteria provided, single submitter. Criteria: LabCorp Variant Classification Summary - May 2015. Collection method: clinical testing. Allele origin: germline.
Comment: Variant summary: SLC26A4 c.918+2T>C is located in a canonical splice-site and is predicted to affect mRNA splicing resulting in a significantly altered protein due to either exon skipping, shortening, or inclusion of intronic material. Two computational tools predict a significant impact on normal splicing, suggesting the variant abolishes a canonical 5' splicing donor site, while one predicts the variant no significant impact on splicing. However, these predictions have yet to be confirmed by functional studies. The variant allele was found at a frequency of 8e-06 in 251256 control chromosomes. c.918+2T>C has been reported in the literature in individuals affected with hearing loss (Chai_2013, Goncalves_2016, Rentorff_2013, Cengiz_2017), and some of these patients were reported as compound heterozygous with other (likely) pathogenic variants. These data indicate that the variant is likely to be associated with disease. Five submitters have provided clinical-significance assessments for this variant to ClinVar after 2014, and classified the variant as pathogenic/likely pathogenic. Based on the evidence outlined above, the variant was classified as pathogenic.

Myriad Genetics, Inc.
Classification: Pathogenic for Pendred syndrome. Last evaluated: 2021-10-27. Review status: criteria provided, single submitter. Criteria: Myriad Women's Health Autosomal Recessive and X-Linked Classification Criteria (2021). Collection method: clinical testing. Allele origin: unknown.
Comment: NM_000441.1(SLC26A4):c.918+2T>C is a canonical splice variant classified as pathogenic in the context of Pendred syndrome. c.918+2T>C has been observed in cases with relevant disease (PMID: 23918157, 23336812, 27214836). Functional assessments of this variant are not available in the literature. c.918+2T>C has been observed in population frequency databases (gnomAD: OTH 0.02%). In summary, NM_000441.1(SLC26A4):c.918+2T>C is a canonical splice variant that has been observed more frequently in cases with the relevant disease than in healthy populations. Please note: this variant was assessed in the context of healthy population screening.

Genome-Nilou Lab
Classification: Likely pathogenic for Autosomal recessive nonsyndromic hearing loss 4. Last evaluated: 2021-09-05. Review status: criteria provided, single submitter. Criteria: ACMG Guidelines, 2015. Collection method: clinical testing. Allele origin: germline. Affected: no.

Genome-Nilou Lab
Classification: Likely pathogenic for Pendred syndrome. Last evaluated: 2021-09-05. Review status: criteria provided, single submitter. Criteria: ACMG Guidelines, 2015. Collection method: clinical testing. Allele origin: germline. Affected: no.

Baylor Genetics
Classification: Pathogenic for Pendred syndrome. Review status: criteria provided, single submitter. Criteria: ACMG Guidelines, 2015. Collection method: clinical testing. Allele origin: germline.

Juno Genomics, Hangzhou Juno Genomics, Inc
Classification: Likely pathogenic for Autosomal recessive nonsyndromic hearing loss 4; Pendred syndrome. Review status: criteria provided, single submitter. Criteria: ACMG Guidelines, 2015. Collection method: clinical testing. Allele origin: germline.
Comment: Null variant in a gene where loss of function (LOF) is a known mechanism of disease.;For recessive disorders, detected in trans with a pathogenic variant.

Genetic Testing Center for Deafness, Department of Otolaryngology Head & Neck Surgery, Institute of Otolaryngology, Chinese PLA General Hospital
Classification: Pathogenic for Autosomal recessive nonsyndromic hearing loss 4. Last evaluated: 2019-02-26. Review status: no assertion criteria provided. Collection method: case-control. Allele origin: inherited. Affected: yes. Observed: 1 variant allele. Not counted in ClinVar's aggregate classification.

Laboratory of Human Genetics, Institute of Biosciences - University of Sao Paulo
Classification: Uncertain significance for Autosomal recessive nonsyndromic hearing loss 4. Review status: flagged submission. Criteria: ClinGen HL ACMG Specifications v1. Collection method: research. Allele origin: germline. Inheritance: Autosomal recessive inheritance. Affected: yes. Observed: 1 heterozygote. Not counted in ClinVar's aggregate classification.
ClinVar note: Reason: Outlier claim with insufficient supporting evidence

Literature cited by the submitters: PubMed 23918157 (cited by 4 submitters); PubMed 23336812 (cited by 3 submitters); PubMed 16199547 (cited by Labcorp Genetics (formerly Invitae), Labcorp); PubMed 16283880 (cited by Labcorp Genetics (formerly Invitae), Labcorp); PubMed 25394566 (cited by Labcorp Genetics (formerly Invitae), Labcorp); PubMed 26252218 (cited by Labcorp Genetics (formerly Invitae), Labcorp); PubMed 26445815 (cited by Labcorp Genetics (formerly Invitae), Labcorp); PubMed 27214836 (cited by 3 submitters); PubMed 28964290 (cited by Women's Health and Genetics/Laboratory Corporation of America, LabCorp); PubMed 29739340 (cited by Laboratory of Human Genetics, Institute of Biosciences - University of Sao Paulo).

NM_000441.2(SLC26A4):c.918+2T>C

Gene: SLC26A4 (solute carrier family 26 member 4; plus strand). Cytogenetic location: 7q22.3.
Variant type: single nucleotide variant.
Coding change: c.918+2T>C on transcript NM_000441.2 (MANE Select); the canonical splice donor site of the intron after coding-DNA position 918, T replaced by C.
Molecular consequence: splice donor variant.
Genome position (GRCh38, 1-based): chr7:107,683,356, T>C. VCF-style: chr7-107683356-T-C. GRCh37 (hg19) VCF-style: chr7-107323801-T-C.
Identifiers: ClinVar variation 370108 (VCV000370108.27), dbSNP rs912147281, ClinGen allele CA16041106.